The following is an entry in ClinVar:

NM_000330.4(RS1):c.579dup (p.Ile194fs)

Genes: CDKL5 (cyclin dependent kinase like 5; plus strand), RS1 (retinoschisin 1; minus strand). Cytogenetic location: Xp22.13.
Variant type: Duplication.
Coding change: c.579dup on transcript NM_000330.4 (MANE Select); coding-DNA position 579, one base duplicated (C; older notation c.579dupC).
Protein change: p.Ile194fs; shifts the reading frame from isoleucine 194.
Molecular consequence: frameshift variant. On other transcripts: intron variant (2).
Genome position (GRCh38, 1-based): chrX:18,642,100, G duplicated on the plus strand (C on the coding strand, the reverse complement: RS1 is on the minus strand); the first of 6 consecutive G bases (chrX:18,642,100-18,642,105); duplicating any one gives the same sequence. VCF-style (leftmost placement, unchanged base first): chrX-18642099-T-TG. GRCh37 (hg19) VCF-style: chrX-18660219-T-TG.
Other names: c.579dupC (NM_000330.3); c.2714-3902dup (NM_003159.3, NM_001037343.2); c.579dup (NM_000330.3); short protein forms I194fs.
Identifiers: ClinVar variation 98995 (VCV000098995.19), dbSNP rs199469697, ClinGen allele CA226796.

ClinVar aggregate classification (germline): Pathogenic/Likely pathogenic. Review status: criteria provided, multiple submitters, no conflicts (2 of 4 stars). 9 submissions from 9 submitters: Pathogenic (6); Likely pathogenic (1). 2 of the submissions do not count toward it. Last evaluated 2025-12-08.

Conditions:
RS1-related disorder. Also called: RS1-related condition.
Retinal dystrophy. Also called: Inherited retinal dystrophy. Identifiers: Orphanet 71862, MedGen C0854723, MeSH D058499, MONDO:0019118, HP:0000556.
Juvenile retinoschisis (RS1). Also called: X-Linked Juvenile Retinoschisis; X-linked retinoschisis. Identifiers: Orphanet 792, MedGen C3714753, MONDO:0010725, OMIM 312700.

Submissions (9):

GeneDx
Classification: Pathogenic. Last evaluated: 2025-12-08. Review status: criteria provided, single submitter. Criteria: GeneDx Variant Classification Process June 2021. Collection method: clinical testing. Allele origin: germline. Affected: yes.
Comment: Frameshift variant predicted to result in abnormal protein length as the last 31 amino acid(s) are replaced with 69 different amino acid(s), and other similar variants have been reported in HGMD; Not observed at significant frequency in large population cohorts (gnomAD); This variant is associated with the following publications: (PMID: 31429209, 35456481, 9618178, 19093009, 33460243, 30923717, 22110067, 34822951, 36377647, 34906470, 37798099)

Labcorp Genetics (formerly Invitae), Labcorp
Classification: Pathogenic. Last evaluated: 2025-01-30. Review status: criteria provided, single submitter. Criteria: Invitae Variant Classification Sherloc (09022015). Collection method: clinical testing. Allele origin: germline.
Comment: This sequence change results in a frameshift in the RS1 gene (p.Ile194Hisfs*70). While this is not anticipated to result in nonsense mediated decay, it is expected to disrupt the last 31 amino acid(s) of the RS1 protein. This variant is not present in population databases (gnomAD no frequency). This variant has been observed in individuals with retinoschisis (PMID: 9618178, 19093009, 22110067, 30923717). This variant is also known as 578_579insC and 579&580insC. ClinVar contains an entry for this variant (Variation ID: 98995). For these reasons, this variant has been classified as Pathogenic.

Myriad Genetics, Inc.
Classification: Pathogenic for Juvenile retinoschisis. Last evaluated: 2025-01-16. Review status: criteria provided, single submitter. Criteria: Myriad Autosomal Dominant, Autosomal Recessive and X-Linked Classification Criteria (2023). Collection method: clinical testing. Allele origin: unknown.
Comment: NM_000330.3(RS1):c.579dupC(I194Hfs*70) is a frameshift variant that results in protein elongation classified as pathogenic in the context of X-linked juvenile retinoschisis. I194Hfs*70 has been observed in cases with relevant disease (PMID: 34822951). Relevant functional assessments of this variant are not available in the literature. I194Hfs*70 has not been observed in referenced population frequency databases. In summary, NM_000330.3(RS1):c.579dupC(I194Hfs*70) is a frameshift variant that results in protein elongation that has been observed more frequently in cases with the relevant disease than in healthy populations. Please note: this variant was assessed in the context of healthy population screening.

Institute of Medical Genetics and Applied Genomics, University Hospital Tübingen
Classification: Pathogenic for Juvenile retinoschisis. Last evaluated: 2024-08-02. Review status: criteria provided, single submitter. Criteria: ACMG Guidelines, 2015. Collection method: clinical testing. Allele origin: germline. Inheritance: X-linked recessive inheritance. Affected: yes.

Blueprint Genetics
Classification: Pathogenic for RS1-related disorders. Last evaluated: 2023-11-27. Review status: criteria provided, single submitter. Criteria: ACMG Guidelines, 2015. Collection method: clinical testing. Allele origin: germline. Affected: yes. Observed: 5 variant alleles.

Fulgent Genetics
Classification: Pathogenic for Juvenile retinoschisis. Last evaluated: 2021-12-21. Review status: criteria provided, single submitter. Criteria: ACMG Guidelines, 2015. Collection method: clinical testing. Allele origin: unknown.

Ocular Genomics Institute, Massachusetts Eye and Ear
Classification: Likely pathogenic for Juvenile retinoschisis. Last evaluated: 2021-04-08. Review status: criteria provided, single submitter. Criteria: ACMG Guidelines, 2015. Collection method: research. Allele origin: germline. Affected: yes.
Comment: Through a review of available evidence we were able to apply the following criteria: PVS1, PM2. Based on this evidence we have classified this variant as Likely Pathogenic.

Institute of Human Genetics, Univ. Regensburg, Univ. Regensburg
Classification: Pathogenic for Retinal dystrophy. Last evaluated: 2022-01-01. Review status: no assertion criteria provided. Criteria: ACMG Guidelines, 2015. Collection method: clinical testing. Allele origin: germline. Affected: yes. Not counted in ClinVar's aggregate classification.

Retina International
No classification provided. Review status: no classification provided. Collection method: not provided. Allele origin: unknown. Not counted in ClinVar's aggregate classification.

Literature cited by the submitters: PubMed 9618178 (cited by Labcorp Genetics (formerly Invitae), Labcorp); PubMed 19093009 (cited by Labcorp Genetics (formerly Invitae), Labcorp); PubMed 22110067 (cited by Labcorp Genetics (formerly Invitae), Labcorp); PubMed 30923717 (cited by Labcorp Genetics (formerly Invitae), Labcorp); PubMed 34822951 (cited by Myriad Genetics, Inc.).